The following is an entry in ClinVar:

ClinVar aggregate classification (germline): Uncertain significance (1 of 4 stars; one submission).

Submission:

Dasa
Classification: Uncertain significance. Last evaluated: 2025-06-27. Review status: criteria provided, single submitter. Criteria: DASA Assertion Criteria. Collection method: clinical testing. Allele origin: germline.
Comment: NM_001386298.1(CIC):c.7513C>A (p.Pro2505Thr) is a missense variant that results in the substitution of proline with threonine. This variant is rare in population databases. Computational prediction algorithms are consistent with a benign effect. The currently available literature and clinical evidence are not sufficient to establish a definitive association between this variant and the reported condition. Therefore, this variant is classified as a variant of uncertain significance.

NM_001386298.1(CIC):c.7513C>A (p.Pro2505Thr)

Gene: CIC (capicua transcriptional repressor; plus strand). Cytogenetic location: 19q13.2.
Variant type: single nucleotide variant.
Coding change: c.7513C>A on transcript NM_001386298.1 (MANE Select); coding-DNA position 7513, C replaced by A.
Protein change: p.Pro2505Thr; replaces proline 2505 with threonine.
Molecular consequence: missense variant.
Genome position (GRCh38, 1-based): chr19:42,295,150, C>A. VCF-style: chr19-42295150-C-A. GRCh37 (hg19) VCF-style: chr19-42799302-C-A.
Other names: c.7513C>A, p.Pro2505Thr (NM_001304815.2); c.7510C>A, p.Pro2504Thr (NM_001379480.1, NM_001379482.1, NM_001439183.1); c.4780C>A, p.Pro1594Thr (NM_001379484.1, NM_001439191.1); c.4777C>A, p.Pro1593Thr (NM_001379485.1); c.7507C>A, p.Pro2503Thr (NM_001439184.1, NM_001439185.1, NM_001439186.1); c.7504C>A, p.Pro2502Thr (NM_001439187.1); c.7501C>A, p.Pro2501Thr (NM_001439188.1); c.4783C>A, p.Pro1595Thr (NM_001439189.1, NM_001439190.1); and 1 more; short protein forms P1593T, P1594T, P1595T, P1596T, P2501T, P2502T, P2503T, P2504T.
Identifiers: ClinVar variation 4883676 (VCV004883676.2).